The following is an entry in ClinVar:

NM_020529.3(NFKBIA):c.77T>A (p.Leu26Gln)

Gene: NFKBIA (NFKB inhibitor alpha; minus strand). Cytogenetic location: 14q13.2.
Variant type: single nucleotide variant.
Coding change: c.77T>A on transcript NM_020529.3 (MANE Select); coding-DNA position 77, T replaced by A.
Protein change: p.Leu26Gln; replaces leucine 26 with glutamine.
Molecular consequence: missense variant.
Genome position (GRCh38, 1-based): chr14:35,404,568, A>T on the plus strand (T>A on the coding strand, the complement: NFKBIA is on the minus strand). VCF-style: chr14-35404568-A-T. GRCh37 (hg19) VCF-style: chr14-35873774-A-T.
Other names: short protein forms L26Q.
Identifiers: ClinVar variation 4780051 (VCV004780051.1).

ClinVar aggregate classification (germline): Uncertain significance (1 of 4 stars; one submission).

Conditions:
Ectodermal dysplasia and immunodeficiency 2. Identifiers: Orphanet 238468, Orphanet 98813, MedGen C2677481, MONDO:0012806, OMIM 612132.

gnomAD v4.1: 3 of 1,593,116 alleles (0.00019%); highest among the groups gnomAD compares: Non-Finnish European, 0.00026%; no homozygotes.

Submission:

Labcorp Genetics (formerly Invitae), Labcorp
Classification: Uncertain significance for Ectodermal dysplasia and immunodeficiency 2. Last evaluated: 2025-09-10. Review status: criteria provided, single submitter. Criteria: Invitae Variant Classification Sherloc (09022015). Collection method: clinical testing. Allele origin: germline.
Comment: This sequence change replaces leucine, which is neutral and non-polar, with glutamine, which is neutral and polar, at codon 26 of the NFKBIA protein (p.Leu26Gln). This variant is present in population databases (no rsID available, gnomAD 0.001%). This variant has not been reported in the literature in individuals affected with NFKBIA-related conditions. An algorithm developed to predict the effect of missense changes on protein structure and function (PolyPhen-2) suggests that this variant is likely to be tolerated. In summary, the available evidence is currently insufficient to determine the role of this variant in disease. Therefore, it has been classified as a Variant of Uncertain Significance.